The following is an entry in ClinVar:

NM_000038.6(APC):c.2335_2336dup (p.Leu779fs)

Gene: APC (APC regulator of Wnt signaling pathway; plus strand). Cytogenetic location: 5q22.2.
Variant type: Duplication.
Coding change: c.2335_2336dup on transcript NM_000038.6 (MANE Select); coding-DNA positions 2335 to 2336, 2 bases duplicated (TT; older notation c.2335_2336dupTT).
Protein change: p.Leu779fs; shifts the reading frame from leucine 779.
Molecular consequence: frameshift variant. On other transcripts: non-coding transcript variant (2).
Genome position (GRCh38, 1-based): chr5:112,837,929-112,837,930, TT duplicated; duplicating any 2 consecutive bases within chr5:112,837,928-112,837,930 gives the same sequence; the c. name uses the placement nearest the transcript's 3' end. VCF-style (leftmost placement, unchanged base first): chr5-112837927-A-ATT. GRCh37 (hg19) VCF-style: chr5-112173624-A-ATT.
Other names: c.2335_2336dup, p.Leu779fs (NM_001127510.3, NM_001354895.2, NM_001407450.1); c.2281_2282dup, p.Leu761fs (NM_001127511.3); c.2389_2390dup, p.Leu797fs (NM_001354896.2, NM_001407447.1, NM_001407448.1 and 1 more transcripts); c.2365_2366dup, p.Leu789fs (NM_001354897.2); c.2260_2261dup, p.Leu754fs (NM_001354898.2); c.2251_2252dup, p.Leu751fs (NM_001354899.2); c.2212_2213dup, p.Leu738fs (NM_001354900.2); c.2158_2159dup, p.Leu720fs (NM_001354901.2, NM_001407453.1); and 11 more; short protein forms L395fs, L496fs, L619fs, L650fs, L653fs, L678fs, L688fs, L696fs.
Identifiers: ClinVar variation 2584185 (VCV002584185.2), dbSNP rs1554084079, ClinGen allele CA658760718.
Genomic context (GRCh38, chr5:112,837,927, plus strand): 5'-AAGCCCTAGAAGCAGAATTAGATGCTCAGCACTTATCAGAAACTTTTGACAATATAGACA[A>ATT]TTTAAGTCCCAAGGCATCTCATCGTAGTAAGCAGAGACACAAGCAAAGTCTCTATGGTGA-3'

ClinVar aggregate classification (germline): Pathogenic (1 of 4 stars; one submission).

Conditions:
Familial adenomatous polyposis 1 (FAP1). Also called: FAMILIAL ADENOMATOUS POLYPOSIS 1, ATTENUATED; POLYPOSIS, ADENOMATOUS INTESTINAL. Identifiers: MedGen C2713442, MONDO:0021056, OMIM 175100. Disease mechanism: loss of function.

Submission:

Myriad Genetics, Inc.
Classification: Pathogenic for Familial adenomatous polyposis 1. Last evaluated: 2023-05-04. Review status: criteria provided, single submitter. Criteria: Myriad Autosomal Dominant, Autosomal Recessive and X-Linked Classification Criteria (2023). Collection method: clinical testing. Allele origin: unknown.
Comment: This variant is considered pathogenic. This variant creates a frameshift predicted to result in premature protein truncation.